The following is an entry in ClinVar:

ClinVar aggregate classification (germline): Uncertain significance (1 of 4 stars; one submission).

Conditions:
Baller-Gerold syndrome (BGS). Also called: CRANIOSYNOSTOSIS WITH RADIAL DEFECTS. Identifiers: Orphanet 1225, MedGen C0265308, MONDO:0009039, OMIM 218600.

Submission:

Labcorp Genetics (formerly Invitae), Labcorp
Classification: Uncertain significance for Baller-Gerold syndrome. Last evaluated: 2023-04-06. Review status: criteria provided, single submitter. Criteria: Invitae Variant Classification Sherloc (09022015). Collection method: clinical testing. Allele origin: germline.
Comment: This sequence change replaces serine, which is neutral and polar, with asparagine, which is neutral and polar, at codon 1039 of the RECQL4 protein (p.Ser1039Asn). This variant is not present in population databases (gnomAD no frequency). This variant has not been reported in the literature in individuals affected with RECQL4-related conditions. Advanced modeling of protein sequence and biophysical properties (such as structural, functional, and spatial information, amino acid conservation, physicochemical variation, residue mobility, and thermodynamic stability) performed at Invitae indicates that this missense variant is expected to disrupt RECQL4 protein function. Algorithms developed to predict the effect of sequence changes on RNA splicing suggest that this variant may disrupt the consensus splice site. In summary, the available evidence is currently insufficient to determine the role of this variant in disease. Therefore, it has been classified as a Variant of Uncertain Significance.

NM_004260.4(RECQL4):c.3116G>A (p.Ser1039Asn)

Gene: RECQL4 (RecQ like helicase 4; minus strand). Cytogenetic location: 8q24.3.
Variant type: single nucleotide variant.
Coding change: c.3116G>A on transcript NM_004260.4 (MANE Select); coding-DNA position 3116, G replaced by A.
Protein change: p.Ser1039Asn; replaces serine 1039 with asparagine.
Molecular consequence: missense variant. On other transcripts: non-coding transcript variant (2).
Genome position (GRCh38, 1-based): chr8:144,512,264, C>T on the plus strand (G>A on the coding strand, the complement: RECQL4 is on the minus strand). VCF-style: chr8-144512264-C-T. GRCh37 (hg19) VCF-style: chr8-145737647-C-T.
Other names: c.2822G>A, p.Ser941Asn (NM_001413017.1); c.2918G>A, p.Ser973Asn (NM_001413018.1); c.3191G>A, p.Ser1064Asn (NM_001413019.1); c.3020G>A, p.Ser1007Asn (NM_001413020.1); c.2045G>A, p.Ser682Asn (NM_001413021.1, NM_001413022.1, NM_001413024.1 and 4 more transcripts); c.2120G>A, p.Ser707Asn (NM_001413023.1); c.2987G>A, p.Ser996Asn (NM_001413025.1); c.1979G>A, p.Ser660Asn (NM_001413027.1, NM_001413030.1, NM_001413032.1); and 9 more; short protein forms S1039N, S672N, S685N, S922N, S973N, S995N, S996N, S1029N.
Identifiers: ClinVar variation 2711442 (VCV002711442.3), dbSNP rs2130659716, ClinGen allele CA372670530.